The following is an entry in ClinVar:

ClinVar aggregate classification (germline): Conflicting classifications of pathogenicity. Review status: criteria provided, conflicting classifications (1 of 4 stars). 4 submissions from 4 submitters: Uncertain significance (1); Benign (1). 2 of the submissions do not count toward it. Last evaluated 2025-12-14.

Conditions:
Cleft lip/palate-ectodermal dysplasia syndrome (CLPED1). Also called: Zlotogora syndrome; ECTODERMAL DYSPLASIA, CLEFT LIP AND PALATE, MENTAL RETARDATION, AND SYNDACTYLY; ECTODERMAL DYSPLASIA, MARGARITA ISLAND TYPE; ECTODERMAL DYSPLASIA, TYPE 4; ZLOTOGORA-OGUR SYNDROME. Identifiers: Orphanet 3253, MedGen C2931488, MONDO:0009151, OMIM 225060.
NECTIN1-related disorder. Also called: NECTIN1-related condition.

Allele frequency attached by ClinVar (database versions not stated): ESP Exome Variant Server 0.00069; gnomAD 0.00077 and 0.00103; TOPMed 0.00077; gnomAD exomes 0.00117 and 0.00196; ExAC 0.00206; 1000 Genomes Project 0.00220; 1000 Genomes Project 30x 0.00234.

Submissions (4):

Labcorp Genetics (formerly Invitae), Labcorp
Classification: Benign. Last evaluated: 2025-12-14. Review status: criteria provided, single submitter. Criteria: Invitae Variant Classification Sherloc (09022015). Collection method: clinical testing. Allele origin: germline.

Illumina Laboratory Services, Illumina
Classification: Uncertain significance for Cleft lip/palate-ectodermal dysplasia syndrome. Last evaluated: 2018-01-13. Review status: criteria provided, single submitter. Criteria: ICSL Variant Classification Criteria 13 December 2019. Collection method: clinical testing. Allele origin: germline.

PreventionGenetics, part of Exact Sciences
Classification: Benign for NECTIN1-related condition. Last evaluated: 2021-01-04. Review status: no assertion criteria provided. Collection method: clinical testing. Allele origin: germline. Not counted in ClinVar's aggregate classification.
Comment: This variant is classified as benign based on ACMG/AMP sequence variant interpretation guidelines (Richards et al. 2015 PMID: 25741868, with internal and published modifications).

Dr.Nikuei Genetic Center
Classification: Benign for Cleft lip/palate-ectodermal dysplasia syndrome. Review status: no assertion criteria provided. Collection method: clinical testing. Allele origin: germline. Inheritance: Autosomal recessive inheritance. Affected: no. Not counted in ClinVar's aggregate classification.

NM_002855.5(NECTIN1):c.130G>A (p.Gly44Ser)

Gene: NECTIN1 (nectin cell adhesion molecule 1; minus strand). Cytogenetic location: 11q23.3.
Variant type: single nucleotide variant.
Coding change: c.130G>A on transcript NM_002855.5 (MANE Select); coding-DNA position 130, G replaced by A.
Protein change: p.Gly44Ser; replaces glycine 44 with serine.
Molecular consequence: missense variant.
Genome position (GRCh38, 1-based): chr11:119,678,715, C>T on the plus strand (G>A on the coding strand, the complement: NECTIN1 is on the minus strand). VCF-style: chr11-119678715-C-T. GRCh37 (hg19) VCF-style: chr11-119549425-C-T.
Other names: c.130G>A, p.Gly44Ser (NM_203285.2, NM_203286.2); short protein forms G44S.
Identifiers: ClinVar variation 786830 (VCV000786830.15), dbSNP rs137991779, ClinGen allele CA6322162.